The following is an entry in ClinVar:

NM_006231.4(POLE):c.4259C>T (p.Ala1420Val)

Gene: POLE (DNA polymerase epsilon, catalytic subunit; minus strand). Cytogenetic location: 12q24.33.
Variant type: single nucleotide variant.
Coding change: c.4259C>T on transcript NM_006231.4 (MANE Select); coding-DNA position 4259, C replaced by T.
Protein change: p.Ala1420Val; replaces alanine 1420 with valine.
Molecular consequence: missense variant.
Genome position (GRCh38, 1-based): chr12:132,643,868, G>A on the plus strand (C>T on the coding strand, the complement: POLE is on the minus strand). VCF-style: chr12-132643868-G-A. GRCh37 (hg19) VCF-style: chr12-133220454-G-A.
Other names: short protein forms A1420V.
Identifiers: ClinVar variation 220758 (VCV000220758.80), dbSNP rs41561818, ClinGen allele CA348167.

ClinVar aggregate classification (germline): Benign/Likely benign. Review status: criteria provided, multiple submitters, no conflicts (2 of 4 stars). 19 submissions from 19 submitters: Benign (7); Likely benign (4). 8 of the submissions do not count toward it. Last evaluated 2026-09-01.

Conditions:
POLE-related disorder. Also called: POLE-related disorders; POLE-related condition.
Hereditary cancer-predisposing syndrome. Also called: Neoplastic Syndromes, Hereditary; Tumor predisposition; Hereditary Cancer Syndrome; Hereditary neoplastic syndrome. Identifiers: Orphanet 140162, MedGen C0027672, MeSH D009386, MONDO:0015356.
Colorectal cancer, susceptibility to, 12 (CRCS12). Also called: COLORECTAL CANCER, SUSCEPTIBILITY TO, ON CHROMOSOME 12q24. Identifiers: Orphanet 220460, MedGen C3554460, MONDO:0014038, OMIM 615083.
Carcinoma of colon (CRC). Also called: Colonic carcinoma; Colon carcinoma. Identifiers: MedGen C0699790, MONDO:0002032.
Facial dysmorphism-immunodeficiency-livedo-short stature syndrome. Also called: Facial dysmorphism, immunodeficiency, livedo, and short stature; FILS syndrome. Identifiers: Orphanet 352712, MedGen C3554576, MONDO:0014058, OMIM 615139.
Intrauterine growth retardation, metaphyseal dysplasia, adrenal hypoplasia congenita, genital anomalies, and immunodeficiency. Also called: IMAGEI SYNDROME. Identifiers: MedGen C5193036, MONDO:0032684, OMIM 618336.

Allele frequency attached by ClinVar (database versions not stated): TOPMed 0.00212; ESP Exome Variant Server 0.00215; 1000 Genomes Project 30x 0.00219; 1000 Genomes Project 0.00220; ExAC 0.00313; gnomAD 0.00315 and 0.00325; gnomAD exomes 0.00349 and 0.00406.
gnomAD v4.1: 6,312 of 1,614,132 alleles (0.39%); highest among the groups gnomAD compares: Non-Finnish European, 0.44%; 23 homozygotes.

Submissions (19):

CeGaT Center for Human Genetics Tuebingen
Classification: Likely benign. Last evaluated: 2026-09-01. Review status: criteria provided, single submitter. Criteria: CeGaT Center For Human Genetics Tuebingen Variant Classification Criteria Version 2. Collection method: clinical testing. Allele origin: germline. Affected: yes. Observed: 31 variant alleles.
Comment: POLE: BS2

Labcorp Genetics (formerly Invitae), Labcorp
Classification: Benign. Last evaluated: 2026-02-04. Review status: criteria provided, single submitter. Criteria: Invitae Variant Classification Sherloc (09022015). Collection method: clinical testing. Allele origin: germline.

Laboratorio de I+D, Fundación Centro Médico de Asturias
Classification: Benign for Hereditary cancer-predisposing syndrome. Last evaluated: 2025-07-13. Review status: criteria provided, single submitter. Criteria: ACMG Guidelines, 2015. Collection method: clinical testing. Allele origin: germline.
Comment: BS1+BS2+BS4_Moderate+BP1_Supporting

Center for Genomic Medicine, Rigshospitalet, Copenhagen University Hospital
Classification: Likely benign. Last evaluated: 2025-03-04. Review status: criteria provided, single submitter. Criteria: ACMG Guidelines, 2015. Collection method: clinical testing. Allele origin: germline.

ARUP Laboratories, Molecular Genetics and Genomics, ARUP Laboratories
Classification: Benign. Last evaluated: 2023-09-11. Review status: criteria provided, single submitter. Criteria: ARUP Molecular Germline Variant Investigation Process 2024. Collection method: clinical testing. Allele origin: germline.

Fulgent Genetics
Classification: Benign for Colorectal cancer, susceptibility to, 12; Facial dysmorphism-immunodeficiency-livedo-short stature syndrome; Intrauterine growth retardation, metaphyseal dysplasia, adrenal hypoplasia congenita, genital anomalies, and immunodeficiency. Last evaluated: 2021-10-12. Review status: criteria provided, single submitter. Criteria: ACMG Guidelines, 2015. Collection method: clinical testing. Allele origin: unknown.

Women's Health and Genetics/Laboratory Corporation of America, LabCorp
Classification: Benign. Last evaluated: 2021-07-19. Review status: criteria provided, single submitter. Criteria: LabCorp Variant Classification Summary - May 2015. Collection method: clinical testing. Allele origin: germline.
Comment: Variant summary: POLE c.4259C>T (p.Ala1420Val) results in a non-conservative amino acid change in the encoded protein sequence. Three of five in-silico tools predict a benign effect of the variant on protein function. The variant allele was found at a frequency of 0.0035 in 251382 control chromosomes in the gnomAD database, including 6 homozygotes. The observed variant frequency is approximately 246 fold of the estimated maximal expected allele frequency for a pathogenic variant in POLE causing Colorectal Cancer phenotype (1.4e-05), strongly suggesting that the variant is benign. To our knowledge, no occurrence of c.4259C>T in individuals affected with Colorectal Cancer and no experimental evidence demonstrating its impact on protein function have been reported. Multiple clinical diagnostic laboratories have submitted clinical-significance assessments for this variant to ClinVar after 2014 without evidence for independent evaluation. All laboratories classified the variant as benign/likely benign. Based on the evidence outlined above, the variant was classified as benign.

Mendelics
Classification: Likely benign for Colorectal cancer, susceptibility to, 12. Last evaluated: 2019-05-28. Review status: criteria provided, single submitter. Criteria: Mendelics Assertion Criteria 2017. Collection method: clinical testing. Allele origin: unknown.

Quest Diagnostics Nichols Institute San Juan Capistrano
Classification: Benign. Last evaluated: 2018-02-20. Review status: criteria provided, single submitter. Criteria: Quest Diagnostics criteria. Collection method: clinical testing. Allele origin: unknown.

GeneDx
Classification: Benign. Last evaluated: 2017-12-08. Review status: criteria provided, single submitter. Criteria: GeneDx Variant Classification (06012015). Collection method: clinical testing. Allele origin: germline. Affected: yes.
Comment: This variant is considered likely benign or benign based on one or more of the following criteria: it is a conservative change, it occurs at a poorly conserved position in the protein, it is predicted to be benign by multiple in silico algorithms, and/or has population frequency not consistent with disease.

Ambry Genetics
Classification: Likely benign for Hereditary cancer-predisposing syndrome. Last evaluated: 2015-06-18. Review status: criteria provided, single submitter. Criteria: Ambry Variant Classification Scheme 2023. Collection method: clinical testing. Allele origin: germline.

PreventionGenetics, part of Exact Sciences
Classification: Benign for POLE-related condition. Last evaluated: 2019-06-03. Review status: no assertion criteria provided. Collection method: clinical testing. Allele origin: germline. Not counted in ClinVar's aggregate classification.
Comment: This variant is classified as benign based on ACMG/AMP sequence variant interpretation guidelines (Richards et al. 2015 PMID: 25741868, with internal and published modifications).

Counsyl
Classification: Likely benign for Colorectal cancer, susceptibility to, 12. Last evaluated: 2018-04-03. Review status: no assertion criteria provided. Collection method: clinical testing. Allele origin: unknown. Not counted in ClinVar's aggregate classification.

True Health Diagnostics
Classification: Likely benign for Hereditary cancer-predisposing syndrome. Last evaluated: 2017-12-08. Review status: no assertion criteria provided. Collection method: clinical testing. Allele origin: germline. Not counted in ClinVar's aggregate classification.

Clinical Genetics DNA and cytogenetics Diagnostics Lab, Erasmus MC, Erasmus Medical Center
Classification: Likely benign. Review status: no assertion criteria provided. Collection method: clinical testing. Allele origin: germline. Affected: yes. Study: VKGL Data-share Consensus. Not counted in ClinVar's aggregate classification.

Clinical Genetics, Academic Medical Center
Classification: Benign. Review status: no assertion criteria provided. Collection method: clinical testing. Allele origin: germline. Affected: yes. Study: VKGL Data-share Consensus. Not counted in ClinVar's aggregate classification.

Department of Pathology and Laboratory Medicine, Sinai Health System
Classification: Benign for Carcinoma of colon. Review status: no assertion criteria provided. Collection method: clinical testing. Allele origin: unknown. Affected: yes. Observed: 2 variant alleles. Study: The Canadian Open Genetics Repository (COGR). Not counted in ClinVar's aggregate classification.
Comment: The POLE p.Ala1420Val variant was not identified in the literature nor was it identified in the Cosmic database. The variant was identified in dbSNP (ID: rs41561818) as "With other allele", ClinVar (classified as benign by Invitae and GeneDx; as likely benign by five submitters), and MutDB databases. The variant was identified in control databases in 1011 of 277176 chromosomes (9 homozygous) at a frequency of 0.004, increasing the likelihood this could be a low frequency benign variant (Genome Aggregation Database Feb 27, 2017). The variant was observed in the following populations: Finnish in 316 of 25794 chromosomes (freq: 0.01), African in 13 of 24030 chromosomes (freq: 0.0005), Other in 21 of 6464 chromosomes (freq: 0.003), Latino in 93 of 34410 chromosomes (freq: 0.003), European in 560 of 126680 chromosomes (freq: 0.004), Ashkenazi Jewish in 7 of 10148 chromosomes (freq: 0.0007), and South Asian in 1 of 30782 chromosomes (freq: 0.00003), while the variant was not observed in the East Asian population. The p.Ala1420 residue is not conserved in mammals and four out of five computational analyses (PolyPhen-2, SIFT, AlignGVGD, BLOSUM, MutationTaster) do not suggest a high likelihood of impact to the protein; however, this information is not predictive enough to rule out pathogenicity. The variant occurs outside of the splicing consensus sequence and in silico or computational prediction software programs (SpliceSiteFinder, MaxEntScan, NNSPLICE, GeneSplicer) do not predict a difference in splicing. In summary, based on the above information this variant meets our laboratory's criteria to be classified as benign.

Genome Diagnostics Laboratory, Amsterdam University Medical Center
Classification: Benign. Review status: no assertion criteria provided. Collection method: clinical testing. Allele origin: germline. Affected: yes. Study: VKGL Data-share Consensus. Not counted in ClinVar's aggregate classification.

Laboratory of Diagnostic Genome Analysis, Leiden University Medical Center (LUMC)
Classification: Likely benign. Review status: no assertion criteria provided. Collection method: clinical testing. Allele origin: germline. Affected: yes. Study: VKGL Data-share Consensus. Not counted in ClinVar's aggregate classification.